The following is an entry in ClinVar:

ClinVar aggregate classification (germline): Uncertain significance. Review status: criteria provided, multiple submitters, no conflicts (2 of 4 stars). 2 submissions from 2 submitters: Uncertain significance (2). Last evaluated 2023-03-23.

Conditions:
Nephronophthisis 3 (NPHP3). Also called: Adolescent nephronophthisis. Identifiers: Orphanet 655, MedGen C1858392, MONDO:0011456, OMIM 604387.
Renal-hepatic-pancreatic dysplasia 1 (RHPD1). Identifiers: MedGen C3715199, MONDO:0008833, OMIM 208540.
NPHP3-related Meckel-like syndrome. Also called: GOLDSTON SYNDROME; Meckel syndrome type 7. Identifiers: Orphanet 3032, MedGen C2673885, MONDO:0009966, OMIM 267010.
Nephronophthisis. Also called: Juvenile Nephronophthisis. Identifiers: Orphanet 655, MedGen C0687120, MONDO:0019005, HP:0000090.

Allele frequency attached by ClinVar (database versions not stated): ExAC 0.00001; gnomAD 0.00001; TOPMed 0.00001.
gnomAD v4.1: 3 of 1,613,304 alleles (0.00019%); highest among the groups gnomAD compares: Admixed American, 0.005%; no homozygotes.

Submissions (2):

Labcorp Genetics (formerly Invitae), Labcorp
Classification: Uncertain significance for Nephronophthisis. Last evaluated: 2023-03-23. Review status: criteria provided, single submitter. Criteria: Invitae Variant Classification Sherloc (09022015). Collection method: clinical testing. Allele origin: germline.
Comment: This sequence change replaces methionine, which is neutral and non-polar, with leucine, which is neutral and non-polar, at codon 768 of the NPHP3 protein (p.Met768Leu). This variant is present in population databases (rs777858346, gnomAD 0.003%). This variant has not been reported in the literature in individuals affected with NPHP3-related conditions. ClinVar contains an entry for this variant (Variation ID: 1483690). Advanced modeling of protein sequence and biophysical properties (such as structural, functional, and spatial information, amino acid conservation, physicochemical variation, residue mobility, and thermodynamic stability) has been performed at Invitae for this missense variant, however the output from this modeling did not meet the statistical confidence thresholds required to predict the impact of this variant on NPHP3 protein function. In summary, the available evidence is currently insufficient to determine the role of this variant in disease. Therefore, it has been classified as a Variant of Uncertain Significance.

Fulgent Genetics
Classification: Uncertain significance for Renal-hepatic-pancreatic dysplasia 1; NPHP3-related Meckel-like syndrome; Nephronophthisis 3. Last evaluated: 2021-11-15. Review status: criteria provided, single submitter. Criteria: ACMG Guidelines, 2015. Collection method: clinical testing. Allele origin: unknown.

NM_153240.5(NPHP3):c.2302A>T (p.Met768Leu)

Genes: NPHP3-ACAD11 (NPHP3-ACAD11 readthrough (NMD candidate); minus strand), NPHP3 (nephrocystin 3; minus strand). Cytogenetic location: 3q22.1.
Variant type: single nucleotide variant.
Coding change: c.2302A>T on transcript NM_153240.5 (MANE Select); coding-DNA position 2302, A replaced by T.
Protein change: p.Met768Leu; replaces methionine 768 with leucine.
Molecular consequence: missense variant. On other transcripts: non-coding transcript variant (1).
Genome position (GRCh38, 1-based): chr3:132,694,835, T>A on the plus strand (A>T on the coding strand, the complement: NPHP3 is on the minus strand). VCF-style: chr3-132694835-T-A. GRCh37 (hg19) VCF-style: chr3-132413679-T-A.
Other names: short protein forms M768L.
Identifiers: ClinVar variation 1483690 (VCV001483690.9), dbSNP rs777858346, ClinGen allele CA2622057.
Genomic context (GRCh38, chr3:132,694,835, plus strand): 5'-CACACACACAAAGCAAACTAACATTCCTTTTTATAAGTTTATTACATTCTACCTGCTTCA[T>A]TAGCTCTTTATCCACATCATTTGCCATGGACTCCCGGATAGAGTGCAGAACAAGTCTATA-3'
Protein context (NP_694972.3, residues 758-778): SMANDVDKEL[Met768Leu]KQILCLVNVS